The following is an entry in ClinVar:

NM_000360.4(TH):c.251T>C (p.Leu84Pro)

Gene: TH (tyrosine hydroxylase; minus strand). Cytogenetic location: 11p15.5.
Variant type: single nucleotide variant.
Coding change: c.251T>C on transcript NM_000360.4 (MANE Select); coding-DNA position 251, T replaced by C.
Protein change: p.Leu84Pro; replaces leucine 84 with proline.
Molecular consequence: missense variant.
Genome position (GRCh38, 1-based): chr11:2,169,711, A>G on the plus strand (T>C on the coding strand, the complement: TH is on the minus strand). VCF-style: chr11-2169711-A-G. GRCh37 (hg19) VCF-style: chr11-2190941-A-G.
Other names: c.344T>C, p.Leu115Pro (NM_199292.3); c.332T>C, p.Leu111Pro (NM_199293.3); short protein forms L111P, L115P, L84P.
Identifiers: ClinVar variation 3363589 (VCV003363589.2).
Genomic context (GRCh38, chr11:2,169,711, plus strand): 5'-TCAAACACCTTCACAGCTCGGGACAGCGCCGAGGGCTTGGTGGCCCTCGGGGAGAAGAGC[A>G]GGTTTAGCACGGCCTTCCCCTCCTTCTCCTCAAAGGCCACAGCCTCCAGGGGGTCCCCGG-3'
Protein context (NP_000351.2, residues 74-94): EEKEGKAVLN[Leu84Pro]LFSPRATKPS

ClinVar aggregate classification (germline): Uncertain significance (1 of 4 stars; one submission).

gnomAD v4.1: 1 of 1,613,284 alleles (0.000062%); no homozygotes.

Submission:

GeneDx
Classification: Uncertain significance. Last evaluated: 2025-11-17. Review status: criteria provided, single submitter. Criteria: GeneDx Variant Classification Process June 2021. Collection method: clinical testing. Allele origin: germline.
Comment: Not observed at significant frequency in large population cohorts (gnomAD); In silico analysis supports that this missense variant has a deleterious effect on protein structure/function; Has not been previously published as pathogenic or benign to our knowledge